The following is an entry in ClinVar:

NM_032119.4(ADGRV1):c.14918_14919dup (p.Val4974fs)

Gene: ADGRV1 (adhesion G protein-coupled receptor V1; plus strand). Cytogenetic location: 5q14.3.
Variant type: Duplication.
Coding change: c.14918_14919dup on transcript NM_032119.4 (MANE Select); coding-DNA positions 14918 to 14919, 2 bases duplicated (TT; older notation c.14918_14919dupTT).
Protein change: p.Val4974fs; shifts the reading frame from valine 4974.
Molecular consequence: frameshift variant. On other transcripts: non-coding transcript variant (1).
Genome position (GRCh38, 1-based): chr5:90,807,683-90,807,684, TT duplicated; duplicating any 2 consecutive bases within chr5:90,807,682-90,807,684 gives the same sequence; the c. name uses the placement nearest the transcript's 3' end. VCF-style (leftmost placement, unchanged base first): chr5-90807681-C-CTT. GRCh37 (hg19) VCF-style: chr5-90103498-C-CTT.
Other names: short protein forms V4974fs.
Identifiers: ClinVar variation 2058177 (VCV002058177.4), dbSNP rs1561774878, ClinGen allele CA1562910072.

ClinVar aggregate classification (germline): Pathogenic (1 of 4 stars; one submission).

Submission:

Labcorp Genetics (formerly Invitae), Labcorp
Classification: Pathogenic. Last evaluated: 2022-07-12. Review status: criteria provided, single submitter. Criteria: Invitae Variant Classification Sherloc (09022015). Collection method: clinical testing. Allele origin: germline.
Comment: For these reasons, this variant has been classified as Pathogenic. This variant has not been reported in the literature in individuals affected with ADGRV1-related conditions. This variant is not present in population databases (gnomAD no frequency). This sequence change creates a premature translational stop signal (p.Val4974Leufs*43) in the ADGRV1 gene. It is expected to result in an absent or disrupted protein product. Loss-of-function variants in ADGRV1 are known to be pathogenic (PMID: 19357117, 22135276, 22147658, 26226137, 30718709, 31047384, 32467589).

Literature cited by the submitters: PubMed 19357117; PubMed 22135276; PubMed 22147658; PubMed 26226137; PubMed 30718709; PubMed 31047384; PubMed 32467589.